The following is an entry in ClinVar:

NM_003896.4(ST3GAL5):c.794del (p.Leu265fs)

Gene: ST3GAL5 (ST3 beta-galactoside alpha-2,3-sialyltransferase 5; minus strand). Cytogenetic location: 2p11.2.
Variant type: Deletion.
Coding change: c.794del on transcript NM_003896.4 (MANE Select); coding-DNA position 794, one base deleted (T; older notation c.794delT).
Protein change: p.Leu265fs; shifts the reading frame from leucine 265.
Molecular consequence: frameshift variant.
Genome position (GRCh38, 1-based): chr2:85,846,432, A deleted on the plus strand (T on the coding strand, the reverse complement: ST3GAL5 is on the minus strand); the first of 4 consecutive A bases (chr2:85,846,432-85,846,435); deleting any one gives the same sequence. VCF-style (leftmost placement, unchanged base first): chr2-85846431-TA-T. GRCh37 (hg19) VCF-style: chr2-86073554-TA-T.
Other names: c.725del, p.Leu242fs (NM_001042437.2); c.410del, p.Leu137fs (NM_001354223.2, NM_001354224.2, NM_001354226.2 and 3 more transcripts); c.710del, p.Leu237fs (NM_001354227.2, NM_001354229.2, NM_001354238.1); c.71del, p.Leu24fs (NM_001354247.1); c.794del, p.Leu265fs (NM_001363847.1); short protein forms L237fs, L137fs, L242fs, L24fs, L265fs.
Identifiers: ClinVar variation 1457211 (VCV001457211.8), dbSNP rs1444819796, ClinGen allele CA894012893.
Genomic context (GRCh38, chr2:85,846,431, plus strand): 5'-GCTTACCAGGGTTTCCTTTTTTACCATTGCTTGAAGCCAGTTGAAATCAACACTCTTAAA[TA>T]AAACAGCAACAAATAAGTCATTGGAATAATATTCAAGGTCAGACAGTGGTGCGCCCTCTG-3'

ClinVar aggregate classification (germline): Pathogenic/Likely pathogenic. Review status: criteria provided, multiple submitters, no conflicts (2 of 4 stars). 2 submissions from 2 submitters: Pathogenic (1); Likely pathogenic (1). Last evaluated 2023-09-01.

Conditions:
GM3 synthase deficiency (SPDRS). Also called: AMISH INFANTILE EPILEPSY SYNDROME; SALT AND PEPPER DEVELOPMENTAL REGRESSION SYNDROME; SALT AND PEPPER MENTAL RETARDATION SYNDROME. Identifiers: Orphanet 171714, Orphanet 370933, MedGen C1836824, MONDO:0018274, OMIM 609056.

Submissions (2):

Labcorp Genetics (formerly Invitae), Labcorp
Classification: Pathogenic for GM3 synthase deficiency. Last evaluated: 2023-09-01. Review status: criteria provided, single submitter. Criteria: Invitae Variant Classification Sherloc (09022015). Collection method: clinical testing. Allele origin: germline.
Comment: ClinVar contains an entry for this variant (Variation ID: 1457211). This variant has not been reported in the literature in individuals affected with ST3GAL5-related conditions. This variant is not present in population databases (gnomAD no frequency). This sequence change creates a premature translational stop signal (p.Leu265Tyrfs*14) in the ST3GAL5 gene. It is expected to result in an absent or disrupted protein product. Loss-of-function variants in ST3GAL5 are known to be pathogenic (PMID: 15502825, 22990144, 27232954). For these reasons, this variant has been classified as Pathogenic.

GeneDx
Classification: Likely pathogenic. Last evaluated: 2022-07-07. Review status: criteria provided, single submitter. Criteria: GeneDx Variant Classification Process June 2021. Collection method: clinical testing. Allele origin: germline. Affected: yes.
Comment: Frameshift variant predicted to result in protein truncation or nonsense mediated decay in a gene for which loss-of-function is a known mechanism of disease; Not observed at significant frequency in large population cohorts (gnomAD); Has not been previously published as pathogenic or benign to our knowledge

Literature cited by the submitters: PubMed 15502825 (cited by Labcorp Genetics (formerly Invitae), Labcorp); PubMed 22990144 (cited by Labcorp Genetics (formerly Invitae), Labcorp); PubMed 27232954 (cited by Labcorp Genetics (formerly Invitae), Labcorp).